The following is an entry in ClinVar:

ClinVar aggregate classification (germline): Conflicting classifications of pathogenicity. Review status: criteria provided, conflicting classifications (1 of 4 stars). 5 submissions from 5 submitters: Uncertain significance (4); Likely benign (1). Last evaluated 2026-01-21.

Conditions:
Autosomal recessive distal spinal muscular atrophy 1. Also called: HMN VI; NEURONOPATHY, SEVERE INFANTILE AXONAL, WITH RESPIRATORY FAILURE; SEVERE INFANTILE AXONAL NEUROPATHY WITH RESPIRATORY FAILURE; SPINAL MUSCULAR ATROPHY, DIAPHRAGMATIC; NEURONOPATHY, DISTAL HEREDITARY MOTOR, HARDING TYPE VI; NEUROPATHY, DISTAL HEREDITARY MOTOR, AUTOSOMAL RECESSIVE 1. Identifiers: Orphanet 98920, MedGen C1858517, MONDO:0011436, OMIM 604320.
Charcot-Marie-Tooth disease axonal type 2S. Also called: CHARCOT-MARIE-TOOTH DISEASE, AXONAL, AUTOSOMAL RECESSIVE, TYPE 2S; CHARCOT-MARIE-TOOTH NEUROPATHY, TYPE 2S. Identifiers: Orphanet 443073, MedGen C4015349, MONDO:0014511, OMIM 616155.
Inborn genetic diseases. Identifiers: MedGen C0950123, MeSH D030342.

Allele frequency attached by ClinVar (database versions not stated): gnomAD 0.00008 and 0.00010; TOPMed 0.00008; gnomAD exomes 0.00012 and 0.00016; ExAC 0.00015; 1000 Genomes Project 30x 0.00031; 1000 Genomes Project 0.00040.

Submissions (5):

Labcorp Genetics (formerly Invitae), Labcorp
Classification: Likely benign for Autosomal recessive distal spinal muscular atrophy 1; Charcot-Marie-Tooth disease axonal type 2S. Last evaluated: 2026-01-21. Review status: criteria provided, single submitter. Criteria: Invitae Variant Classification Sherloc (09022015). Collection method: clinical testing. Allele origin: germline.

GeneDx
Classification: Uncertain significance. Last evaluated: 2025-08-13. Review status: criteria provided, single submitter. Criteria: GeneDx Variant Classification Process June 2021. Collection method: clinical testing. Allele origin: germline. Affected: yes.
Comment: In silico analysis suggests that this missense variant does not alter protein structure/function; Has not been previously published as pathogenic or benign to our knowledge; This variant is associated with the following publications: (PMID: 24388491, 25439726, 22965130)

Ambry Genetics
Classification: Uncertain significance for Inborn genetic diseases. Last evaluated: 2025-02-12. Review status: criteria provided, single submitter. Criteria: Ambry Variant Classification Scheme 2023. Collection method: clinical testing. Allele origin: germline.

Revvity Omics, Revvity
Classification: Uncertain significance. Last evaluated: 2019-06-11. Review status: criteria provided, single submitter. Criteria: ACMG Guidelines, 2015. Collection method: clinical testing. Allele origin: germline.

Illumina Laboratory Services, Illumina
Classification: Uncertain significance for Autosomal recessive distal spinal muscular atrophy 1. Last evaluated: 2018-01-12. Review status: criteria provided, single submitter. Criteria: ICSL Variant Classification Criteria 13 December 2019. Collection method: clinical testing. Allele origin: germline.

NM_002180.3(IGHMBP2):c.857G>A (p.Arg286Gln)

Gene: IGHMBP2 (immunoglobulin mu DNA binding protein 2; plus strand). Cytogenetic location: 11q13.3.
Variant type: single nucleotide variant.
Coding change: c.857G>A on transcript NM_002180.3 (MANE Select); coding-DNA position 857, G replaced by A.
Protein change: p.Arg286Gln; replaces arginine 286 with glutamine.
Molecular consequence: missense variant.
Genome position (GRCh38, 1-based): chr11:68,914,968, G>A. VCF-style: chr11-68914968-G-A. GRCh37 (hg19) VCF-style: chr11-68682436-G-A.
Other names: short protein forms R286Q.
Identifiers: ClinVar variation 234714 (VCV000234714.24), dbSNP rs200566598, ClinGen allele CA6153412.
Genomic context (GRCh38, chr11:68,914,968, plus strand): 5'-GACACCCTGCCCGCCTCCTGGAGTCCATTCAGCAGCACTCCCTGGATGCGGTTTTAGCGC[G>A]GAGCGACAGTGCCCAGATTGTTGCAGATATCAGGAAGGACATCGACCAGGTCTTTGTAGG-3'
Protein context (NP_002171.2, residues 276-296): QQHSLDAVLA[Arg286Gln]SDSAQIVADI